The following is an entry in ClinVar:

ClinVar aggregate classification (germline): Uncertain significance (1 of 4 stars; one submission).

Conditions:
Hereditary cancer-predisposing syndrome. Also called: Neoplastic Syndromes, Hereditary; Tumor predisposition; Hereditary Cancer Syndrome; Hereditary neoplastic syndrome. Identifiers: Orphanet 140162, MedGen C0027672, MeSH D009386, MONDO:0015356.

Submission:

Ambry Genetics
Classification: Uncertain significance for Hereditary cancer-predisposing syndrome. Last evaluated: 2025-11-13. Review status: criteria provided, single submitter. Criteria: Ambry Variant Classification Scheme 2023. Collection method: clinical testing. Allele origin: germline.
Comment: The p.Y245N variant (also known as c.733T>A), located in coding exon 5 of the CTNNA1 gene, results from a T to A substitution at nucleotide position 733. The tyrosine at codon 245 is replaced by asparagine, an amino acid with dissimilar properties. This amino acid position is conserved. In addition, the in silico prediction for this alteration is inconclusive. Based on the available evidence, the clinical significance of this variant remains unclear.

NM_001903.5(CTNNA1):c.733T>A (p.Tyr245Asn)

Gene: CTNNA1 (catenin alpha 1; plus strand). Cytogenetic location: 5q31.2.
Variant type: single nucleotide variant.
Coding change: c.733T>A on transcript NM_001903.5 (MANE Select); coding-DNA position 733, T replaced by A.
Protein change: p.Tyr245Asn; replaces tyrosine 245 with asparagine.
Molecular consequence: missense variant.
Genome position (GRCh38, 1-based): chr5:138,824,674, T>A. VCF-style: chr5-138824674-T-A. GRCh37 (hg19) VCF-style: chr5-138160363-T-A.
Other names: c.733T>A, p.Tyr245Asn (NM_001290307.3, NM_001323982.2, NM_001323983.1 and 3 more transcripts); c.424T>A, p.Tyr142Asn (NM_001290309.3); c.364T>A, p.Tyr122Asn (NM_001290310.3); short protein forms Y122N, Y245N, Y142N.
Identifiers: ClinVar variation 4635526 (VCV004635526.1).